The following is an entry in ClinVar:

NM_000138.5(FBN1):c.3969C>T (p.Ile1323=)

Gene: FBN1 (fibrillin 1; minus strand). Cytogenetic location: 15q21.1.
Variant type: single nucleotide variant.
Coding change: c.3969C>T on transcript NM_000138.5 (MANE Select); coding-DNA position 3969, C replaced by T.
Protein change: p.Ile1323=; no amino-acid change (isoleucine 1323 retained).
Molecular consequence: synonymous variant.
Genome position (GRCh38, 1-based): chr15:48,474,646, G>A on the plus strand (C>T on the coding strand, the complement: FBN1 is on the minus strand). VCF-style: chr15-48474646-G-A. GRCh37 (hg19) VCF-style: chr15-48766843-G-A.
Identifiers: ClinVar variation 671607 (VCV000671607.19), dbSNP rs536546914, ClinGen allele CA051847.

ClinVar aggregate classification (germline): Benign/Likely benign. Review status: criteria provided, multiple submitters, no conflicts (2 of 4 stars). 8 submissions from 8 submitters: Benign (5); Likely benign (3). Last evaluated 2025-12-23.

Conditions:
Marfan syndrome (MFS). Also called: MARFAN SYNDROME, TYPE I; FBN1-Related Marfan Syndrome; Marfan syndrome type 1; Marfan's syndrome; Marfan syndrome, classic. Identifiers: Orphanet 284963, Orphanet 558, MedGen C0024796, MONDO:0007947, OMIM 154700.
Familial thoracic aortic aneurysm and aortic dissection (TAAD). Also called: Thoracic aortic aneurysms and dissections. Identifiers: Orphanet 91387, MedGen C4707243, MONDO:0019625.

Allele frequency attached by ClinVar (database versions not stated): gnomAD 0.00005 and 0.00001; 1000 Genomes Project 30x 0.00062; gnomAD exomes 0.00015; ExAC 0.00021; TOPMed 0.00002; 1000 Genomes Project 0.00040.
gnomAD v4.1: 94 of 1,614,032 alleles (0.0058%); highest among the groups gnomAD compares: South Asian, 0.094%; no homozygotes.

Submissions (8):

Labcorp Genetics (formerly Invitae), Labcorp
Classification: Benign for Marfan syndrome; Familial thoracic aortic aneurysm and aortic dissection. Last evaluated: 2025-12-23. Review status: criteria provided, single submitter. Criteria: Invitae Variant Classification Sherloc (09022015). Collection method: clinical testing. Allele origin: germline.

All of Us Research Program, National Institutes of Health
Classification: Benign for Marfan syndrome. Last evaluated: 2023-12-13. Review status: criteria provided, single submitter. Criteria: ACMG Guidelines, 2015. Collection method: clinical testing. Allele origin: germline. Inheritance: Autosomal dominant inheritance. Observed: 2 variant alleles, 2 heterozygotes.
Comment: This study involves interpretation of variants in research participants for the purpose of population health screening. Participant phenotype was not available at the time of variant classification. Additional details can be found in publication PMID: 35346344, PMCID: PMC8962531

Women's Health and Genetics/Laboratory Corporation of America, LabCorp
Classification: Benign. Last evaluated: 2023-08-24. Review status: criteria provided, single submitter. Criteria: LabCorp Variant Classification Summary - May 2015. Collection method: clinical testing. Allele origin: germline.

Blueprint Genetics
Classification: Likely benign. Last evaluated: 2021-08-18. Review status: criteria provided, single submitter. Criteria: ACMG Guidelines, 2015. Collection method: clinical testing. Allele origin: germline.

GeneDx
Classification: Likely benign. Last evaluated: 2020-06-10. Review status: criteria provided, single submitter. Criteria: GeneDx Variant Classification Process June 2021. Collection method: clinical testing. Allele origin: germline. Affected: yes.

Ambry Genetics
Classification: Likely benign for Familial thoracic aortic aneurysm and aortic dissection. Last evaluated: 2019-10-08. Review status: criteria provided, single submitter. Criteria: Ambry Variant Classification Scheme 2023. Collection method: clinical testing. Allele origin: germline.

Color Diagnostics, LLC DBA Color Health
Classification: Benign for Familial thoracic aortic aneurysm and aortic dissection. Last evaluated: 2019-07-26. Review status: criteria provided, single submitter. Criteria: ACMG Guidelines, 2015. Collection method: clinical testing. Allele origin: germline.

CHEO Genetics Diagnostic Laboratory, Children's Hospital of Eastern Ontario
Classification: Benign for Familial thoracic aortic aneurysm and aortic dissection. Last evaluated: 2017-12-01. Review status: criteria provided, single submitter. Criteria: ACMG Guidelines, 2015. Collection method: clinical testing. Allele origin: germline.